The following is an entry in ClinVar:

NM_030958.3(SLCO5A1):c.2317A>G (p.Arg773Gly)

Gene: SLCO5A1 (solute carrier organic anion transporter family member 5A1; minus strand). Cytogenetic location: 8q13.3.
Variant type: single nucleotide variant.
Coding change: c.2317A>G on transcript NM_030958.3 (MANE Select); coding-DNA position 2317, A replaced by G.
Protein change: p.Arg773Gly; replaces arginine 773 with glycine.
Molecular consequence: missense variant. On other transcripts: 3 prime UTR variant (1).
Genome position (GRCh38, 1-based): chr8:69,673,099, T>C on the plus strand (A>G on the coding strand, the complement: SLCO5A1 is on the minus strand). VCF-style: chr8-69673099-T-C. GRCh37 (hg19) VCF-style: chr8-70585334-T-C.
Other names: c.*188A>G (NM_001146008.2); c.2152A>G, p.Arg718Gly (NM_001146009.1); c.2317A>G (NM_030958.2); short protein forms R718G, R773G.
Identifiers: ClinVar variation 1448698 (VCV001448698.8), dbSNP rs187733575, ClinGen allele CA4776367.

ClinVar aggregate classification (germline): Uncertain significance. Review status: criteria provided, multiple submitters, no conflicts (2 of 4 stars). 2 submissions from 2 submitters: Uncertain significance (2). Last evaluated 2025-09-02.

Allele frequency attached by ClinVar (database versions not stated): ExAC 0.00001; gnomAD exomes 0.00001 and 0.00002; TOPMed 0.00008; gnomAD 0.00009; 1000 Genomes Project 30x 0.00047; 1000 Genomes Project 0.00060.
gnomAD v4.1: 45 of 1,614,262 alleles (0.0028%); highest among the groups gnomAD compares: African/African-American, 0.036%; no homozygotes.

Submissions (2):

Labcorp Genetics (formerly Invitae), Labcorp
Classification: Uncertain significance. Last evaluated: 2025-09-02. Review status: criteria provided, single submitter. Criteria: Invitae Variant Classification Sherloc (09022015). Collection method: clinical testing. Allele origin: germline.
Comment: This sequence change replaces arginine, which is basic and polar, with glycine, which is neutral and non-polar, at codon 773 of the SLCO5A1 protein (p.Arg773Gly). This variant is present in population databases (rs187733575, gnomAD 0.02%). This variant has not been reported in the literature in individuals affected with SLCO5A1-related conditions. ClinVar contains an entry for this variant (Variation ID: 1448698). An algorithm developed to predict the effect of missense changes on protein structure and function (PolyPhen-2) suggests that this variant is likely to be tolerated. In summary, the available evidence is currently insufficient to determine the role of this variant in disease. Therefore, it has been classified as a Variant of Uncertain Significance.

Ambry Genetics
Classification: Uncertain significance. Last evaluated: 2024-07-02. Review status: criteria provided, single submitter. Criteria: Ambry Variant Classification Scheme 2023. Collection method: clinical testing. Allele origin: germline.